The following is an entry in ClinVar:

ClinVar aggregate classification (germline): Pathogenic (1 of 4 stars; one submission).

Conditions:
Dystonia 12 (DYT12). Also called: DYT-ATP1A3; Rapid-Onset Dystonia-Parkinsonism (RDP). Identifiers: Orphanet 71517, MedGen C1868681, MONDO:0007496, OMIM 128235.

Submission:

Labcorp Genetics (formerly Invitae), Labcorp
Classification: Pathogenic for Dystonia 12. Last evaluated: 2022-09-06. Review status: criteria provided, single submitter. Criteria: Invitae Variant Classification Sherloc (09022015). Collection method: clinical testing. Allele origin: germline.
Comment: Disruption of this splice site has been observed in individual(s) with alternating hemiplegia of childhood (PMID: 22850527, 23681173, 27146299). In at least one individual the variant was observed to be de novo. For these reasons, this variant has been classified as Pathogenic. Algorithms developed to predict the effect of sequence changes on RNA splicing suggest that this variant may disrupt the consensus splice site. ClinVar contains an entry for this variant (Variation ID: 846620). This variant is not present in population databases (gnomAD no frequency). This sequence change affects a donor splice site in intron 18 of the ATP1A3 gene. It is expected to disrupt RNA splicing. Variants that disrupt the donor or acceptor splice site typically lead to a loss of protein function (PMID: 16199547), and loss-of-function variants in ATP1A3 are known to be pathogenic (PMID: 24631656, 24983657).

Literature cited by the submitters: PubMed 22850527; PubMed 23681173; PubMed 27146299; PubMed 16199547; PubMed 24631656; PubMed 24983657.

NM_152296.5(ATP1A3):c.2542+1G>C

Gene: ATP1A3 (ATPase Na+/K+ transporting subunit alpha 3; minus strand). Cytogenetic location: 19q13.2.
Variant type: single nucleotide variant.
Coding change: c.2542+1G>C on transcript NM_152296.5 (MANE Select); the canonical splice donor site of the intron after coding-DNA position 2542, G replaced by C.
Molecular consequence: splice donor variant.
Genome position (GRCh38, 1-based): chr19:41,970,184, C>G on the plus strand (G>C on the coding strand, the complement: ATP1A3 is on the minus strand). VCF-style: chr19-41970184-C-G. GRCh37 (hg19) VCF-style: chr19-42474336-C-G.
Other names: c.2581+1G>C (NM_001256214.2); c.2575+1G>C (NM_001256213.2).
Identifiers: ClinVar variation 846620 (VCV000846620.10), dbSNP rs606231441, ClinGen allele CA406038530.